The following is an entry in ClinVar:

NM_019032.6(ADAMTSL4):c.2224G>A (p.Gly742Ser)

Gene: ADAMTSL4 (ADAMTS like 4; plus strand). Cytogenetic location: 1q21.2.
Variant type: single nucleotide variant.
Coding change: c.2224G>A on transcript NM_019032.6 (MANE Select); coding-DNA position 2224, G replaced by A.
Protein change: p.Gly742Ser; replaces glycine 742 with serine.
Molecular consequence: missense variant.
Genome position (GRCh38, 1-based): chr1:150,557,991, G>A. VCF-style: chr1-150557991-G-A. GRCh37 (hg19) VCF-style: chr1-150530467-G-A.
Other names: c.2293G>A, p.Gly765Ser (NM_001288608.2); c.2224G>A, p.Gly742Ser (NM_001378596.1, NM_025008.5); c.2224G>A (NM_019032.4); c.2107G>A, p.Gly703Ser (NM_001288607.2); short protein forms G742S, G765S, G703S.
Identifiers: ClinVar variation 1960543 (VCV001960543.3), dbSNP rs766447735, ClinGen allele CA1078591.

ClinVar aggregate classification (germline): Uncertain significance. Review status: criteria provided, multiple submitters, no conflicts (2 of 4 stars). 2 submissions from 2 submitters: Uncertain significance (2). Last evaluated 2025-10-30.

Conditions:
Inborn genetic diseases. Identifiers: MedGen C0950123, MeSH D030342.

Allele frequency attached by ClinVar (database versions not stated): gnomAD exomes 0.00001; gnomAD 0.00001; ExAC 0.00002; TOPMed 0.00002.
gnomAD v4.1: 14 of 1,611,486 alleles (0.00087%); highest among the groups gnomAD compares: Admixed American, 0.0033%; no homozygotes.

Submissions (2):

Ambry Genetics
Classification: Uncertain significance for Inborn genetic diseases. Last evaluated: 2025-10-30. Review status: criteria provided, single submitter. Criteria: Ambry Variant Classification Scheme 2023. Collection method: clinical testing. Allele origin: germline.

Labcorp Genetics (formerly Invitae), Labcorp
Classification: Uncertain significance. Last evaluated: 2022-08-21. Review status: criteria provided, single submitter. Criteria: Invitae Variant Classification Sherloc (09022015). Collection method: clinical testing. Allele origin: germline.
Comment: This sequence change replaces glycine, which is neutral and non-polar, with serine, which is neutral and polar, at codon 742 of the ADAMTSL4 protein (p.Gly742Ser). This variant is present in population databases (rs766447735, gnomAD 0.006%). This variant has not been reported in the literature in individuals affected with ADAMTSL4-related conditions. Algorithms developed to predict the effect of missense changes on protein structure and function (SIFT, PolyPhen-2, Align-GVGD) all suggest that this variant is likely to be disruptive. In summary, the available evidence is currently insufficient to determine the role of this variant in disease. Therefore, it has been classified as a Variant of Uncertain Significance.